The following is an entry in ClinVar:

ClinVar aggregate classification (germline): Likely benign (0 of 4 stars; one submission).

Conditions:
PCK2-related disorder. Also called: PCK2-related condition.

Allele frequency attached by ClinVar (database versions not stated): gnomAD 0.00005; gnomAD exomes 0.00005; TOPMed 0.00007; ExAC 0.00019; 1000 Genomes Project 0.00060; 1000 Genomes Project 30x 0.00062.

Submission:

PreventionGenetics, part of Exact Sciences
Classification: Likely benign for PCK2-related condition. Last evaluated: 2023-07-14. Review status: no assertion criteria provided. Collection method: clinical testing. Allele origin: germline.
Comment: This variant is classified as likely benign based on ACMG/AMP sequence variant interpretation guidelines (Richards et al. 2015 PMID: 25741868, with internal and published modifications).

NM_004563.4(PCK2):c.1234+52T>C

Genes: NRL (neural retina leucine zipper; minus strand), PCK2 (phosphoenolpyruvate carboxykinase 2, mitochondrial; plus strand). Cytogenetic location: 14q12.
Variant type: single nucleotide variant.
Coding change: c.1234+52T>C on transcript NM_004563.4 (MANE Select); 52 bases into the intron after coding-DNA position 1234, T replaced by C.
Molecular consequence: intron variant. On other transcripts: missense variant (1).
Genome position (GRCh38, 1-based): chr14:24,100,265, T>C. VCF-style: chr14-24100265-T-C. GRCh37 (hg19) VCF-style: chr14-24569474-T-C.
Other names: c.1286T>C, p.Met429Thr (NM_001018073.3); c.-28+14457A>G (NM_001354768.3, NM_001354770.2); c.-254+14457A>G (NM_006177.5); c.832+52T>C (NM_001308054.2, NM_001291556.2); short protein forms M429T.
Identifiers: ClinVar variation 3054370 (VCV003054370.2), dbSNP rs186588601, ClinGen allele CA7123402.